The following is an entry in ClinVar:

ClinVar aggregate classification (germline): Uncertain significance. Review status: criteria provided, multiple submitters, no conflicts (2 of 4 stars). 2 submissions from 2 submitters: Uncertain significance (2). Last evaluated 2025-11-25.

Conditions:
Tuberous sclerosis 2 (TSC2). Identifiers: Orphanet 805, MedGen C1860707, MONDO:0013199, OMIM 613254.
Hereditary cancer-predisposing syndrome. Also called: Neoplastic Syndromes, Hereditary; Hereditary neoplastic syndrome; Tumor predisposition; Hereditary Cancer Syndrome. Identifiers: Orphanet 140162, MedGen C0027672, MeSH D009386, MONDO:0015356.

Submissions (2):

Ambry Genetics
Classification: Uncertain significance for Hereditary cancer-predisposing syndrome. Last evaluated: 2025-11-25. Review status: criteria provided, single submitter. Criteria: Ambry Variant Classification Scheme 2023. Collection method: clinical testing. Allele origin: germline.
Comment: The p.P1732R variant (also known as c.5195C>G), located in coding exon 40 of the TSC2 gene, results from a C to G substitution at nucleotide position 5195. The proline at codon 1732 is replaced by arginine, an amino acid with dissimilar properties. This amino acid position is conserved. In addition, this alteration is predicted to be deleterious by in silico analysis. Based on the available evidence, the clinical significance of this variant remains unclear.

Labcorp Genetics (formerly Invitae), Labcorp
Classification: Uncertain significance for Tuberous sclerosis 2. Last evaluated: 2024-02-02. Review status: criteria provided, single submitter. Criteria: Invitae Variant Classification Sherloc (09022015). Collection method: clinical testing. Allele origin: germline.
Comment: This sequence change replaces proline, which is neutral and non-polar, with arginine, which is basic and polar, at codon 1732 of the TSC2 protein (p.Pro1732Arg). This variant is not present in population databases (gnomAD no frequency). This variant has not been reported in the literature in individuals affected with TSC2-related conditions. ClinVar contains an entry for this variant (Variation ID: 535850). Advanced modeling of protein sequence and biophysical properties (such as structural, functional, and spatial information, amino acid conservation, physicochemical variation, residue mobility, and thermodynamic stability) performed at Invitae indicates that this missense variant is not expected to disrupt TSC2 protein function with a negative predictive value of 95%. In summary, the available evidence is currently insufficient to determine the role of this variant in disease. Therefore, it has been classified as a Variant of Uncertain Significance.

NM_000548.5(TSC2):c.5195C>G (p.Pro1732Arg)

Gene: TSC2 (TSC complex subunit 2; plus strand). Cytogenetic location: 16p13.3.
Variant type: single nucleotide variant.
Coding change: c.5195C>G on transcript NM_000548.5 (MANE Select); coding-DNA position 5195, C replaced by G.
Protein change: p.Pro1732Arg; replaces proline 1732 with arginine.
Molecular consequence: missense variant.
Genome position (GRCh38, 1-based): chr16:2,088,261, C>G. VCF-style: chr16-2088261-C-G. GRCh37 (hg19) VCF-style: chr16-2138262-C-G.
Other names: c.4994C>G, p.Pro1665Arg (NM_001077183.3); c.5126C>G, p.Pro1709Arg (NM_001114382.3); c.4886C>G, p.Pro1629Arg (NM_001318827.2); c.4850C>G, p.Pro1617Arg (NM_001318829.2); c.4463C>G, p.Pro1488Arg (NM_001318831.2); c.5027C>G, p.Pro1676Arg (NM_001318832.2); c.4997C>G, p.Pro1666Arg (NM_001363528.2); c.5063C>G, p.Pro1688Arg (NM_001370404.1); and 2 more; short protein forms P1732R, P1629R, P1676R, P1685R, P1617R, P1665R, P1688R, P1689R.
Identifiers: ClinVar variation 535850 (VCV000535850.9), dbSNP rs1446388626, ClinGen allele CA394314209.